The following is an entry in ClinVar:

NM_006361.6(HOXB13):c.14A>G (p.Asn5Ser)

Gene: HOXB13 (homeobox B13; minus strand). Cytogenetic location: 17q21.32.
Variant type: single nucleotide variant.
Coding change: c.14A>G on transcript NM_006361.6 (MANE Select); coding-DNA position 14, A replaced by G.
Protein change: p.Asn5Ser; replaces asparagine 5 with serine.
Molecular consequence: missense variant.
Genome position (GRCh38, 1-based): chr17:48,728,580, T>C on the plus strand (A>G on the coding strand, the complement: HOXB13 is on the minus strand). VCF-style: chr17-48728580-T-C. GRCh37 (hg19) VCF-style: chr17-46805942-T-C.
Other names: short protein forms N5S.
Identifiers: ClinVar variation 852464 (VCV000852464.9), dbSNP rs1597935385, ClinGen allele CA400109969.

ClinVar aggregate classification (germline): Uncertain significance (1 of 4 stars; one submission).

Allele frequency attached by ClinVar (database versions not stated): gnomAD exomes below 0.00001.

Submission:

Labcorp Genetics (formerly Invitae), Labcorp
Classification: Uncertain significance. Last evaluated: 2020-02-26. Review status: criteria provided, single submitter. Criteria: Invitae Variant Classification Sherloc (09022015). Collection method: clinical testing. Allele origin: germline.
Comment: This sequence change replaces asparagine with serine at codon 5 of the HOXB13 protein (p.Asn5Ser). The asparagine residue is moderately conserved and there is a small physicochemical difference between asparagine and serine. This variant is not present in population databases (ExAC no frequency). This variant has not been reported in the literature in individuals with HOXB13-related conditions. Algorithms developed to predict the effect of missense changes on protein structure and function output the following: SIFT: "Tolerated"; PolyPhen-2: "Benign"; Align-GVGD: "Class C0". The serine amino acid residue is found in multiple mammalian species, suggesting that this missense change does not adversely affect protein function. These predictions have not been confirmed by published functional studies and their clinical significance is uncertain. In summary, the available evidence is currently insufficient to determine the role of this variant in disease. Therefore, it has been classified as a Variant of Uncertain Significance.